The following is an entry in ClinVar:

ClinVar aggregate classification (germline): Uncertain significance (1 of 4 stars; one submission).

Allele frequency attached by ClinVar (database versions not stated): TOPMed below 0.00001; gnomAD 0.00001; gnomAD exomes 0.00001; ExAC 0.00002.

Submission:

Labcorp Genetics (formerly Invitae), Labcorp
Classification: Uncertain significance. Last evaluated: 2021-12-02. Review status: criteria provided, single submitter. Criteria: Invitae Variant Classification Sherloc (09022015). Collection method: clinical testing. Allele origin: germline.
Comment: In summary, the available evidence is currently insufficient to determine the role of this variant in disease. Therefore, it has been classified as a Variant of Uncertain Significance. Algorithms developed to predict the effect of missense changes on protein structure and function are either unavailable or do not agree on the potential impact of this missense change (SIFT: "Tolerated"; PolyPhen-2: "Possibly Damaging"; Align-GVGD: "Class C0"). This variant has not been reported in the literature in individuals affected with LARP7-related conditions. This variant is present in population databases (rs771357243, gnomAD 0.006%). This sequence change replaces leucine, which is neutral and non-polar, with phenylalanine, which is neutral and non-polar, at codon 353 of the LARP7 protein (p.Leu353Phe).

NM_016648.4(LARP7):c.1059G>C (p.Leu353Phe)

Genes: LARP7 (La ribonucleoprotein 7, transcriptional regulator; plus strand), MIR302CHG (miR-302/367 cluster host gene; minus strand). Cytogenetic location: 4q25.
Variant type: single nucleotide variant.
Coding change: c.1059G>C on transcript NM_016648.4 (MANE Select); coding-DNA position 1059, G replaced by C.
Protein change: p.Leu353Phe; replaces leucine 353 with phenylalanine.
Molecular consequence: missense variant.
Genome position (GRCh38, 1-based): chr4:112,647,751, G>C. VCF-style: chr4-112647751-G-C. GRCh37 (hg19) VCF-style: chr4-113568907-G-C.
Other names: c.1059G>C, p.Leu353Phe (NM_001267039.4, NM_001370978.1, NM_015454.3); c.1098G>C, p.Leu366Phe (NM_001370974.1, NM_001370975.1); c.1095G>C, p.Leu365Phe (NM_001370976.1, NM_001370977.1); c.1056G>C, p.Leu352Phe (NM_001370979.1, NM_001370980.1); c.822G>C, p.Leu274Phe (NM_001370981.1, NM_001370982.1); short protein forms L352F, L365F, L366F, L274F, L353F.
Identifiers: ClinVar variation 1478235 (VCV001478235.6), dbSNP rs771357243, ClinGen allele CA3049380.